The following is an entry in ClinVar:

NM_003098.3(SNTA1):c.979C>G (p.Leu327Val)

Gene: SNTA1 (syntrophin alpha 1; minus strand). Cytogenetic location: 20q11.21.
Variant type: single nucleotide variant.
Coding change: c.979C>G on transcript NM_003098.3 (MANE Select); coding-DNA position 979, C replaced by G.
Protein change: p.Leu327Val; replaces leucine 327 with valine.
Molecular consequence: missense variant.
Genome position (GRCh38, 1-based): chr20:33,412,357, G>C on the plus strand (C>G on the coding strand, the complement: SNTA1 is on the minus strand). VCF-style: chr20-33412357-G-C. GRCh37 (hg19) VCF-style: chr20-32000163-G-C.
Other names: c.979C>G, p.Leu327Val (NM_001424413.1, NM_001424414.1); short protein forms L327V.
Identifiers: ClinVar variation 2797889 (VCV002797889.3), dbSNP rs1989760531, ClinGen allele CA408631191.

ClinVar aggregate classification (germline): Uncertain significance (1 of 4 stars; one submission).

Conditions:
Long QT syndrome (LQTS). Identifiers: MedGen C0023976, MeSH D008133, MONDO:0002442. Disease mechanism: loss of function. Inheritance: Various modes of inheritance.

Submission:

Labcorp Genetics (formerly Invitae), Labcorp
Classification: Uncertain significance for Long QT syndrome. Last evaluated: 2023-11-22. Review status: criteria provided, single submitter. Criteria: Invitae Variant Classification Sherloc (09022015). Collection method: clinical testing. Allele origin: germline.
Comment: This sequence change replaces leucine, which is neutral and non-polar, with valine, which is neutral and non-polar, at codon 327 of the SNTA1 protein (p.Leu327Val). This variant is not present in population databases (gnomAD no frequency). This variant has not been reported in the literature in individuals affected with SNTA1-related conditions. Advanced modeling of protein sequence and biophysical properties (such as structural, functional, and spatial information, amino acid conservation, physicochemical variation, residue mobility, and thermodynamic stability) performed at Invitae indicates that this missense variant is not expected to disrupt SNTA1 protein function with a negative predictive value of 80%. In summary, the available evidence is currently insufficient to determine the role of this variant in disease. Therefore, it has been classified as a Variant of Uncertain Significance.